The following is an entry in ClinVar:

NM_015272.5(RPGRIP1L):c.1830T>C (p.His610=)

Gene: RPGRIP1L (RPGRIP1 like; minus strand). Cytogenetic location: 16q12.2.
Variant type: single nucleotide variant.
Coding change: c.1830T>C on transcript NM_015272.5 (MANE Select); coding-DNA position 1830, T replaced by C.
Protein change: p.His610=; no amino-acid change (histidine 610 retained).
Molecular consequence: synonymous variant.
Genome position (GRCh38, 1-based): chr16:53,652,857, A>G on the plus strand (T>C on the coding strand, the complement: RPGRIP1L is on the minus strand). VCF-style: chr16-53652857-A-G. GRCh37 (hg19) VCF-style: chr16-53686769-A-G.
Other names: c.1830T>C, p.His610= (NM_001127897.4, NM_001308334.3, NM_001330538.2); c.1830T>C (NM_015272.4).
Identifiers: ClinVar variation 2196913 (VCV002196913.6), dbSNP rs780359788, ClinGen allele CA8057693.

ClinVar aggregate classification (germline): Likely benign. Review status: criteria provided, single submitter (1 of 4 stars). 2 submissions from 2 submitters: Likely benign (1). 1 of the submissions does not count toward it. Last evaluated 2025-10-29.

Conditions:
RPGRIP1L-related disorder. Also called: RPGRIP1L-related condition; RPGRIP1L-related disorders. Identifiers: MedGen CN239416.
Joubert syndrome. Also called: Familial aplasia of the vermis; JOUBERT-BOLTSHAUSER SYNDROME. Identifiers: Orphanet 475, MedGen C5979921, MONDO:0018772.
Meckel-Gruber syndrome. Also called: Dysencephalia splachnocystica; DYSENCEPHALIA SPLANCHNOCYSTICA; GRUBER SYNDROME. Identifiers: Orphanet 564, MedGen C0265215, MONDO:0018921.

Allele frequency attached by ClinVar (database versions not stated): ExAC 0.00001.
gnomAD v4.1: 6 of 1,612,978 alleles (0.00037%); highest among the groups gnomAD compares: South Asian, 0.0011%; no homozygotes.

Submissions (2):

Labcorp Genetics (formerly Invitae), Labcorp
Classification: Likely benign for Joubert syndrome; Meckel-Gruber syndrome. Last evaluated: 2025-10-29. Review status: criteria provided, single submitter. Criteria: Invitae Variant Classification Sherloc (09022015). Collection method: clinical testing. Allele origin: germline.

PreventionGenetics, part of Exact Sciences
Classification: Likely benign for RPGRIP1L-related condition. Last evaluated: 2019-05-13. Review status: no assertion criteria provided. Collection method: clinical testing. Allele origin: germline. Not counted in ClinVar's aggregate classification.
Comment: This variant is classified as likely benign based on ACMG/AMP sequence variant interpretation guidelines (Richards et al. 2015 PMID: 25741868, with internal and published modifications).